The following is an entry in ClinVar:

ClinVar aggregate classification (germline): Pathogenic (1 of 4 stars; one submission).

Conditions:
X-linked agammaglobulinemia (XLA). Also called: Agammaglobulinemia, Bruton tyrosine kinase; Agammaglobulinemia, BTK; BTK-deficiency; IMMUNODEFICIENCY 1; Bruton's agammaglobulinemia; AGAMMAGLOBULINEMIA, X-LINKED, TYPE 1. Identifiers: Orphanet 229717, Orphanet 47, MedGen C0221026, MONDO:0010421, OMIM 300755.

Submission:

Institute of Human Genetics, University of Leipzig Medical Center
Classification: Pathogenic for X-linked agammaglobulinemia. Last evaluated: 2024-06-06. Review status: criteria provided, single submitter. Criteria: ACMG Guidelines, 2015. Collection method: clinical testing. Allele origin: de novo. Inheritance: X-linked recessive inheritance. Affected: yes.
Comment: Criteria applied: PVS1_STR,PS2,PM2

NM_000061.3:c.418_424insSVA

Gene: BTK (Bruton tyrosine kinase; minus strand).
Variant type: Insertion.
Other names: c.418_424insSVA (NM_000061.3).
Identifiers: ClinVar variation 3901216 (VCV003901216.1).